The following is an entry in ClinVar:

NM_002232.5(KCNA3):c.397C>A (p.Pro133Thr)

Gene: KCNA3 (potassium voltage-gated channel subfamily A member 3; minus strand). Cytogenetic location: 1p13.3.
Variant type: single nucleotide variant.
Coding change: c.397C>A on transcript NM_002232.5 (MANE Select); coding-DNA position 397, C replaced by A.
Protein change: p.Pro133Thr; replaces proline 133 with threonine.
Molecular consequence: missense variant.
Genome position (GRCh38, 1-based): chr1:110,674,413, G>T on the plus strand (C>A on the coding strand, the complement: KCNA3 is on the minus strand). VCF-style: chr1-110674413-G-T. GRCh37 (hg19) VCF-style: chr1-111217035-G-T.
Other names: short protein forms P133T.
Identifiers: ClinVar variation 3378314 (VCV003378314.1).

ClinVar aggregate classification (germline): Uncertain significance (1 of 4 stars; one submission).

Submission:

GeneDx
Classification: Uncertain significance. Last evaluated: 2024-05-14. Review status: criteria provided, single submitter. Criteria: GeneDx Variant Classification Process June 2021. Collection method: clinical testing. Allele origin: germline. Affected: yes.
Comment: Not observed at significant frequency in large population cohorts (gnomAD); In silico analysis supports that this missense variant has a deleterious effect on protein structure/function; Has not been previously published as pathogenic or benign to our knowledge